The following is an entry in ClinVar:

NM_024642.5(GALNT12):c.79C>G (p.Leu27Val)

Genes: GALNT12 (polypeptide N-acetylgalactosaminyltransferase 12; plus strand), LOC130002222 (ATAC-STARR-seq lymphoblastoid silent region 20123; plus strand). Cytogenetic location: 9q22.33.
Variant type: single nucleotide variant.
Coding change: c.79C>G on transcript NM_024642.5 (MANE Select); coding-DNA position 79, C replaced by G.
Protein change: p.Leu27Val; replaces leucine 27 with valine.
Molecular consequence: missense variant.
Genome position (GRCh38, 1-based): chr9:98,807,777, C>G. VCF-style: chr9-98807777-C-G. GRCh37 (hg19) VCF-style: chr9-101570059-C-G.
Other names: short protein forms L27V.
Identifiers: ClinVar variation 1761568 (VCV001761568.2), dbSNP rs1374050913, ClinGen allele CA374222204.

ClinVar aggregate classification (germline): Uncertain significance (1 of 4 stars; one submission).

Submission:

Ambry Genetics
Classification: Uncertain significance. Last evaluated: 2022-01-15. Review status: criteria provided, single submitter. Criteria: Ambry Variant Classification Scheme 2023. Collection method: clinical testing. Allele origin: germline.
Comment: The p.L27V variant (also known as c.79C>G), located in coding exon 1 of the GALNT12 gene, results from a C to G substitution at nucleotide position 79. The leucine at codon 27 is replaced by valine, an amino acid with highly similar properties. This amino acid position is conserved. In addition, this alteration is predicted to be tolerated by in silico analysis. Since supporting evidence is limited at this time, the clinical significance of this alteration remains unclear.